The following is an entry in ClinVar:

ClinVar aggregate classification (germline): Uncertain significance (1 of 4 stars; one submission).

Conditions:
Epilepsy, familial focal, with variable foci 3 (FFEVF3). Identifiers: MedGen C4310708, MONDO:0014925, OMIM 617118.

Submission:

Labcorp Genetics (formerly Invitae), Labcorp
Classification: Uncertain significance for Epilepsy, familial focal, with variable foci 3. Last evaluated: 2021-12-23. Review status: criteria provided, single submitter. Criteria: Invitae Variant Classification Sherloc (09022015). Collection method: clinical testing. Allele origin: germline.
Comment: This sequence change affects codon 434 of the NPRL3 mRNA. It is a 'silent' change, meaning that it does not change the encoded amino acid sequence of the NPRL3 protein. This variant is not present in population databases (gnomAD no frequency). This variant has not been reported in the literature in individuals affected with NPRL3-related conditions. Algorithms developed to predict the effect of sequence changes on RNA splicing suggest that this variant may create or strengthen a splice site. In summary, the available evidence is currently insufficient to determine the role of this variant in disease. Therefore, it has been classified as a Variant of Uncertain Significance.

NM_001077350.3(NPRL3):c.1302C>G (p.Val434=)

Genes: HBA-LCR (alpha-globin locus control region; plus strand), NPRL3 (NPR3 like, GATOR1 complex subunit; minus strand). Cytogenetic location: 16p13.3.
Variant type: single nucleotide variant.
Coding change: c.1302C>G on transcript NM_001077350.3 (MANE Select); coding-DNA position 1302, C replaced by G.
Protein change: p.Val434=; no amino-acid change (valine 434 retained).
Molecular consequence: synonymous variant.
Genome position (GRCh38, 1-based): chr16:89,762, G>C on the plus strand (C>G on the coding strand, the complement: NPRL3 is on the minus strand). VCF-style: chr16-89762-G-C. GRCh37 (hg19) VCF-style: chr16-139760-G-C.
Other names: c.765C>G, p.Val255= (NM_001039476.3); c.1068C>G, p.Val356= (NM_001243247.2); c.1227C>G, p.Val409= (NM_001243248.2, NM_001243249.2).
Identifiers: ClinVar variation 2055546 (VCV002055546.4), dbSNP rs570086678, ClinGen allele CA492795791.